The following is an entry in ClinVar:

NM_001267550.2(TTN):c.99463A>G (p.Thr33155Ala)

Genes: TTN (titin; minus strand), TTN-AS1 (TTN antisense RNA 1; plus strand). Cytogenetic location: 2q31.2.
Variant type: single nucleotide variant.
Coding change: c.99463A>G on transcript NM_001267550.2 (MANE Select); coding-DNA position 99463, A replaced by G.
Protein change: p.Thr33155Ala; replaces threonine 33155 with alanine.
Molecular consequence: missense variant.
Genome position (GRCh38, 1-based): chr2:178,537,744, T>C on the plus strand (A>G on the coding strand, the complement: TTN is on the minus strand). VCF-style: chr2-178537744-T-C. GRCh37 (hg19) VCF-style: chr2-179402471-T-C.
Other names: c.94540A>G, p.Thr31514Ala (NM_001256850.1); c.72268A>G, p.Thr24090Ala (NM_003319.4); c.91759A>G, p.Thr30587Ala (NM_133378.4); c.72643A>G, p.Thr24215Ala (NM_133432.3); c.72844A>G, p.Thr24282Ala (NM_133437.4); short protein forms T24090A, T24215A, T24282A, T30587A, T31514A, T33155A.
Identifiers: ClinVar variation 1302291 (VCV001302291.2), dbSNP rs1692258849, ClinGen allele CA349428337.
Genomic context (GRCh38, chr2:178,537,744, plus strand): 5'-CTATGCAGGTATAAACACCTTCATCTTCCTGTTCCTCTGTCATTACTGTAAGAGTGTGTG[T>C]GCGTCCATCTGAAGACATTTTGTATTTCCGGCTTTGTATGAGCTCTTTACCAAATCTGTA-3'
Protein context (NP_001254479.2, residues 33145-33165): RKYKMSSDGR[Thr33155Ala]HTLTVMTEEQ

ClinVar aggregate classification (germline): Uncertain significance (1 of 4 stars; one submission).

Allele frequency attached by ClinVar (database versions not stated): gnomAD exomes below 0.00001; TOPMed below 0.00001.
gnomAD v4.1: 2 of 1,613,814 alleles (0.00012%); highest among the groups gnomAD compares: African/African-American, 0.0013%; no homozygotes.

Submission:

GeneDx
Classification: Uncertain significance. Last evaluated: 2019-05-30. Review status: criteria provided, single submitter. Criteria: GeneDx Variant Classification Process June 2021. Collection method: clinical testing. Allele origin: germline. Affected: yes.
Comment: Not observed in large population cohorts (Lek et al., 2016); Missense variant in a gene in which most reported pathogenic variants are truncating/loss-of-function; Has not been previously published as pathogenic or benign to our knowledge